The following is an entry in ClinVar:

ClinVar aggregate classification (germline): Likely benign (1 of 4 stars; one submission).

Submission:

GeneDx
Classification: Likely benign. Last evaluated: 2015-12-01. Review status: criteria provided, single submitter. Criteria: GeneDx Variant Classification (06012015). Collection method: clinical testing. Allele origin: germline. Affected: yes.
Comment: This variant is considered likely benign or benign based on one or more of the following criteria: it is a conservative change, it occurs at a poorly conserved position in the protein, it is predicted to be benign by multiple in silico algorithms, and/or has population frequency not consistent with disease.

NM_001330260.2(SCN8A):c.-55+20C>G

Gene: SCN8A (sodium voltage-gated channel alpha subunit 8; plus strand). Cytogenetic location: 12q13.13.
Variant type: single nucleotide variant.
Coding change: c.-55+20C>G on transcript NM_001330260.2 (MANE Select); 20 bases into the intron after 55 bases upstream of the start codon, C replaced by G.
Molecular consequence: intron variant.
Genome position (GRCh38, 1-based): chr12:51,591,379, C>G. VCF-style: chr12-51591379-C-G. GRCh37 (hg19) VCF-style: chr12-51985163-C-G.
Other names: c.-55+20C>G (NM_014191.4, NM_001177984.3, NM_001369788.1).
Identifiers: ClinVar variation 381890 (VCV000381890.1), dbSNP rs926099486, ClinGen allele CA16606567.
Genomic context (GRCh38, chr12:51,591,379, plus strand): 5'-GCGTTAGGGCCGCCGCTGCCTCCCTCGCCGCCGCCGCTGCCGTAAGTCGCCCCAGAGCCC[C>G]CGCCCTAGCGCTGCTTCCTGCCCTCCGGGTTTCCCTTCTCGCCTCGGGACCCTTGAGCGG-3'